The following is an entry in ClinVar:

ClinVar aggregate classification (germline): Uncertain significance (1 of 4 stars; one submission).

Allele frequency attached by ClinVar (database versions not stated): gnomAD exomes below 0.00001; ExAC 0.00001.

Submission:

Labcorp Genetics (formerly Invitae), Labcorp
Classification: Uncertain significance. Last evaluated: 2022-03-19. Review status: criteria provided, single submitter. Criteria: Invitae Variant Classification Sherloc (09022015). Collection method: clinical testing. Allele origin: germline.
Comment: This sequence change replaces histidine, which is basic and polar, with tyrosine, which is neutral and polar, at codon 163 of the CLRN1 protein (p.His163Tyr). This variant is present in population databases (rs748711599, gnomAD 0.003%). This variant has not been reported in the literature in individuals affected with CLRN1-related conditions. Algorithms developed to predict the effect of missense changes on protein structure and function (SIFT, PolyPhen-2, Align-GVGD) all suggest that this variant is likely to be disruptive. In summary, the available evidence is currently insufficient to determine the role of this variant in disease. Therefore, it has been classified as a Variant of Uncertain Significance.

NM_174878.3(CLRN1):c.487C>T (p.His163Tyr)

Gene: CLRN1 (clarin 1; minus strand). Cytogenetic location: 3q25.1.
Variant type: single nucleotide variant.
Coding change: c.487C>T on transcript NM_174878.3 (MANE Select); coding-DNA position 487, C replaced by T.
Protein change: p.His163Tyr; replaces histidine 163 with tyrosine.
Molecular consequence: missense variant. On other transcripts: 3 prime UTR variant (1), non-coding transcript variant (1).
Genome position (GRCh38, 1-based): chr3:150,928,148, G>A on the plus strand (C>T on the coding strand, the complement: CLRN1 is on the minus strand). VCF-style: chr3-150928148-G-A. GRCh37 (hg19) VCF-style: chr3-150645935-G-A.
Other names: c.526C>T, p.His176Tyr (NM_001195794.1); c.*101C>T (NM_001256819.2); c.259C>T, p.His87Tyr (NM_052995.2); short protein forms H163Y, H176Y, H87Y.
Identifiers: ClinVar variation 2415973 (VCV002415973.3), dbSNP rs748711599, ClinGen allele CA2666028.
Genomic context (GRCh38, chr3:150,928,148, plus strand): 5'-CACTTTGCGTTTTGTAGACATAAGTCCCTTCTTTATAATTTGCAATTTTTTCTGAGAGGT[G>A]ATGGATTTTCACTTCAGAGGCAAACAATATCATGACAAGACAGCCACAGGAGCCTGCAAC-3'
Protein context (NP_777367.1, residues 153-173): ILFASEVKIH[His163Tyr]LSEKIANYKE